The following is an entry in ClinVar:

ClinVar aggregate classification (germline): Uncertain significance (1 of 4 stars; one submission).

gnomAD v4.1: 1 of 1,613,830 alleles (0.000062%); highest among the groups gnomAD compares: Non-Finnish European, 0.000085%; no homozygotes.

Submission:

Labcorp Genetics (formerly Invitae), Labcorp
Classification: Uncertain significance. Last evaluated: 2025-03-24. Review status: criteria provided, single submitter. Criteria: Invitae Variant Classification Sherloc (09022015). Collection method: clinical testing. Allele origin: germline.
Comment: This sequence change replaces tyrosine, which is neutral and polar, with cysteine, which is neutral and slightly polar, at codon 480 of the BACH2 protein (p.Tyr480Cys). This variant is present in population databases (no rsID available, gnomAD 0.007%). This variant has not been reported in the literature in individuals affected with BACH2-related conditions. Invitae Evidence Modeling of protein sequence and biophysical properties (such as structural, functional, and spatial information, amino acid conservation, physicochemical variation, residue mobility, and thermodynamic stability) indicates that this missense variant is not expected to disrupt BACH2 protein function with a negative predictive value of 80%. In summary, the available evidence is currently insufficient to determine the role of this variant in disease. Therefore, it has been classified as a Variant of Uncertain Significance.

NM_021813.4(BACH2):c.1439A>G (p.Tyr480Cys)

Gene: BACH2 (BACH transcriptional regulator 2; minus strand). Cytogenetic location: 6q15.
Variant type: single nucleotide variant.
Coding change: c.1439A>G on transcript NM_021813.4 (MANE Select); coding-DNA position 1439, A replaced by G.
Protein change: p.Tyr480Cys; replaces tyrosine 480 with cysteine.
Molecular consequence: missense variant.
Genome position (GRCh38, 1-based): chr6:89,950,667, T>C on the plus strand (A>G on the coding strand, the complement: BACH2 is on the minus strand). VCF-style: chr6-89950667-T-C. GRCh37 (hg19) VCF-style: chr6-90660386-T-C.
Other names: c.1439A>G, p.Tyr480Cys (NM_001170794.2); short protein forms Y480C.
Identifiers: ClinVar variation 4738549 (VCV004738549.1).